The following is an entry in ClinVar:

ClinVar aggregate classification (germline): Pathogenic. Review status: criteria provided, multiple submitters, no conflicts (2 of 4 stars). 2 submissions from 2 submitters: Pathogenic (2). Last evaluated 2026-01-12.

Conditions:
Mucopolysaccharidosis, MPS-III-A (MPS3A). Also called: Mucopolysaccharidosis, type IIIA; mucopolysaccharidosis type 3A; MPS IIIA (Sanfilippo Syndrome Type A); HEPARAN SULFATE SULFATASE DEFICIENCY; SANFILIPPO SYNDROME A; SULFAMIDASE DEFICIENCY. Identifiers: Orphanet 581, Orphanet 79269, MedGen C0086647, MONDO:0009655, OMIM 252900.

Submissions (2):

Labcorp Genetics (formerly Invitae), Labcorp
Classification: Pathogenic for Mucopolysaccharidosis, MPS-III-A. Last evaluated: 2026-01-12. Review status: criteria provided, single submitter. Criteria: Invitae Variant Classification Sherloc (09022015). Collection method: clinical testing. Allele origin: germline.
Comment: This sequence change affects the initiator codon of the SGSH mRNA. This change may impact translation initiation or efficiency. The next in-frame methionine is located at codon 88. This variant is not present in population databases (gnomAD no frequency). Disruption of the initiator codon has been observed in individuals with mucopolysaccharidosis type IIIA (PMID: 21204211, 21910976, 22976768). This variant disrupts a region of the SGSH protein in which other variant(s) (p.Arg74Cys) have been determined to be pathogenic (PMID: 9285796, 9401012, 22976768, 28844463). This suggests that this is a clinically significant region of the protein, and that variants that disrupt it are likely to be disease-causing. For these reasons, this variant has been classified as Pathogenic.

Natera, Inc.
Classification: Pathogenic for Mucopolysaccharidosis type IIIA. Last evaluated: 2024-06-24. Review status: criteria provided, single submitter. Criteria: Natera Variant Classification Schema (03/2026). Collection method: clinical testing. Allele origin: germline.
Comment: The c.1A>T variant in SGSH is predicted to result in start loss due to disruption of the initiator methionine. This variant is expected to result in nonsense mediated decay, truncation, or a dysfunctional protein product. This variant is rare in the general population with a frequency below the threshold expected for the associated phenotype(s). This variant has been observed in one or more individuals affected with the associated recessive disease, as either homozygous or compound heterozygous with a second variant (PMID: 21204211). Given the available evidence, this variant is classified as Pathogenic.

Literature cited by the submitters: PubMed 21204211 (cited by Labcorp Genetics (formerly Invitae), Labcorp and Natera, Inc.); PubMed 21910976 (cited by Labcorp Genetics (formerly Invitae), Labcorp); PubMed 22976768 (cited by Labcorp Genetics (formerly Invitae), Labcorp); PubMed 9285796 (cited by Labcorp Genetics (formerly Invitae), Labcorp); PubMed 9401012 (cited by Labcorp Genetics (formerly Invitae), Labcorp); PubMed 28844463 (cited by Labcorp Genetics (formerly Invitae), Labcorp).

NM_000199.5(SGSH):c.1A>T (p.Met1Leu)

Genes: SGSH (N-sulfoglucosamine sulfohydrolase; minus strand), LOC130061900 (ATAC-STARR-seq lymphoblastoid silent region 9102; plus strand). Cytogenetic location: 17q25.3.
Variant type: single nucleotide variant.
Coding change: c.1A>T on transcript NM_000199.5 (MANE Select); coding-DNA position 1, A replaced by T.
Protein change: p.Met1Leu; changes the start codon (methionine 1).
Molecular consequence: missense variant, initiator codon variant. On other transcripts: non-coding transcript variant (1).
Genome position (GRCh38, 1-based): chr17:80,220,313, T>A on the plus strand (A>T on the coding strand, the complement: SGSH is on the minus strand). VCF-style: chr17-80220313-T-A. GRCh37 (hg19) VCF-style: chr17-78194112-T-A.
Other names: c.1A>T (NM_000199.4); c.1A>T, p.Met1Leu (NM_001352921.3, NM_001352922.2); short protein forms M1L.
Identifiers: ClinVar variation 4765375 (VCV004765375.3).